The following is an entry in ClinVar:

ClinVar aggregate classification (germline): Pathogenic (1 of 4 stars; one submission).

Conditions:
Nemaline myopathy 2 (NEM2). Also called: Nemaline myopathy 2, autosomal recessive. Identifiers: MedGen C1850569, MONDO:0009725, OMIM 256030.

Submission:

Labcorp Genetics (formerly Invitae), Labcorp
Classification: Pathogenic for Nemaline myopathy 2. Last evaluated: 2022-08-25. Review status: criteria provided, single submitter. Criteria: Invitae Variant Classification Sherloc (09022015). Collection method: clinical testing. Allele origin: germline.
Comment: For these reasons, this variant has been classified as Pathogenic. This variant disrupts a region of the NEB protein in which other variant(s) (Deletion (Exon 55)) have been determined to be pathogenic (PMID: 15221447, 19232495, 23715096). This suggests that this is a clinically significant region of the protein, and that variants that disrupt it are likely to be disease-causing. This variant has not been reported in the literature in individuals affected with NEB-related conditions. This variant is a gross deletion of the genomic region encompassing exon(s) 13-81 of the NEB gene. This variant would be expected to be in-frame, preserving the integrity of the reading frame.

Literature cited by the submitters: PubMed 15221447; PubMed 19232495; PubMed 23715096.

NC_000002.11:g.(?_152466303)_(152563531_?)del

Gene: NEB (nebulin; minus strand). Cytogenetic location: 2q23.3.
Variant type: Deletion.
Identifiers: ClinVar variation 2424067 (VCV002424067.4).